The following is an entry in ClinVar:

NM_001292063.2(OTOG):c.3525+10C>A

Gene: OTOG (otogelin; plus strand). Cytogenetic location: 11p15.1.
Variant type: single nucleotide variant.
Coding change: c.3525+10C>A on transcript NM_001292063.2 (MANE Select); 10 bases into the intron after coding-DNA position 3525, C replaced by A.
Molecular consequence: intron variant.
Genome position (GRCh38, 1-based): chr11:17,596,164, C>A. VCF-style: chr11-17596164-C-A. GRCh37 (hg19) VCF-style: chr11-17617711-C-A.
Other names: c.3561+10C>A (NM_001277269.2).
Identifiers: ClinVar variation 226888 (VCV000226888.16), dbSNP rs113275496, ClinGen allele CA5905743.
Genomic context (GRCh38, chr11:17,596,164, plus strand): 5'-AAGGAGTGCAGCATCCTGCTCAGTGAGGTGTTTGAGATCTGCCACCCTGTGGTGAGTGTA[C>A]CCCAGCCTCGGCTCCTCCCGAGTGCCCCCTCCACTGTCCTGGGATCCCTTCAGCTCTCAG-3'

ClinVar aggregate classification (germline): Benign/Likely benign. Review status: criteria provided, multiple submitters, no conflicts (2 of 4 stars). 4 submissions from 4 submitters: Benign (2); Likely benign (2). Last evaluated 2026-01-29.

Allele frequency attached by ClinVar (database versions not stated): ExAC 0.00091; gnomAD exomes 0.00098; gnomAD 0.00422 and 0.00451; 1000 Genomes Project 0.00459; 1000 Genomes Project 30x 0.00468; TOPMed 0.00470.
gnomAD v4.1: 1,243 of 1,539,728 alleles (0.081%); highest among the groups gnomAD compares: African/African-American, 1.4%; 9 homozygotes.

Submissions (4):

Labcorp Genetics (formerly Invitae), Labcorp
Classification: Benign. Last evaluated: 2026-01-29. Review status: criteria provided, single submitter. Criteria: Invitae Variant Classification Sherloc (09022015). Collection method: clinical testing. Allele origin: germline.

Blueprint Genetics
Classification: Likely benign. Last evaluated: 2024-11-01. Review status: criteria provided, single submitter. Criteria: ACMG Guidelines, 2015. Collection method: clinical testing. Allele origin: germline.

GeneDx
Classification: Likely benign. Last evaluated: 2018-01-12. Review status: criteria provided, single submitter. Criteria: GeneDx Variant Classification (06012015). Collection method: clinical testing. Allele origin: germline. Affected: yes.
Comment: This variant is considered likely benign or benign based on one or more of the following criteria: it is a conservative change, it occurs at a poorly conserved position in the protein, it is predicted to be benign by multiple in silico algorithms, and/or has population frequency not consistent with disease.

Laboratory for Molecular Medicine, Mass General Brigham Personalized Medicine
Classification: Benign. Last evaluated: 2014-11-24. Review status: criteria provided, single submitter. Criteria: LMM Criteria. Collection method: clinical testing. Allele origin: germline. Observed: 2 variant alleles.
Comment: 3561+10C>A in intron 28 of OTOG: This variant is not expected to have clinical s ignificance because it is not located within the conserved splice consensus sequ ence. It has been identified in 2.6% (5/194) of Luhya (Kenyan) chromosomes from a broad population by the 1000 Genomes Project (ects/SNP; dbSNP rs113275496).